The following is an entry in ClinVar:

ClinVar aggregate classification (germline): Uncertain significance (1 of 4 stars; one submission).

Conditions:
Encephalopathy, acute, infection-induced (herpes-specific), susceptibility to, 6. Also called: Herpes simplex encephalitis, susceptibility to, 4. Identifiers: Orphanet 1930, MedGen C3553869, MONDO:0013921, OMIM 614850.

Submission:

Labcorp Genetics (formerly Invitae), Labcorp
Classification: Uncertain significance for Encephalopathy, acute, infection-induced (herpes-specific), susceptibility to, 6. Last evaluated: 2022-06-12. Review status: criteria provided, single submitter. Criteria: Invitae Variant Classification Sherloc (09022015). Collection method: clinical testing. Allele origin: germline.
Comment: This sequence change replaces glutamic acid, which is acidic and polar, with valine, which is neutral and non-polar, at codon 241 of the TICAM1 protein (p.Glu241Val). This variant is not present in population databases (gnomAD no frequency). This variant has not been reported in the literature in individuals affected with TICAM1-related conditions. Algorithms developed to predict the effect of missense changes on protein structure and function (SIFT, PolyPhen-2, Align-GVGD) all suggest that this variant is likely to be tolerated. In summary, the available evidence is currently insufficient to determine the role of this variant in disease. Therefore, it has been classified as a Variant of Uncertain Significance.

NM_182919.4(TICAM1):c.722A>T (p.Glu241Val)

Gene: TICAM1 (TIR domain containing adaptor molecule 1; minus strand). Cytogenetic location: 19p13.3.
Variant type: single nucleotide variant.
Coding change: c.722A>T on transcript NM_182919.4 (MANE Select); coding-DNA position 722, A replaced by T.
Protein change: p.Glu241Val; replaces glutamic acid 241 with valine.
Molecular consequence: missense variant.
Genome position (GRCh38, 1-based): chr19:4,817,656, T>A on the plus strand (A>T on the coding strand, the complement: TICAM1 is on the minus strand). VCF-style: chr19-4817656-T-A. GRCh37 (hg19) VCF-style: chr19-4817668-T-A.
Other names: c.680A>T, p.Glu227Val (NM_001385678.1); c.587A>T, p.Glu196Val (NM_001385679.1); c.80A>T, p.Glu27Val (NM_001385680.1); short protein forms E196V, E27V, E227V, E241V.
Identifiers: ClinVar variation 2005248 (VCV002005248.3), dbSNP rs2512399424, ClinGen allele CA403491831.